The following is an entry in ClinVar:

ClinVar aggregate classification (germline): Uncertain significance (1 of 4 stars; one submission).

Allele frequency attached by ClinVar (database versions not stated): TOPMed 0.00002.

Submission:

Labcorp Genetics (formerly Invitae), Labcorp
Classification: Uncertain significance. Last evaluated: 2021-11-09. Review status: criteria provided, single submitter. Criteria: Invitae Variant Classification Sherloc (09022015). Collection method: clinical testing. Allele origin: germline.
Comment: Algorithms developed to predict the effect of missense changes on protein structure and function output the following: SIFT: "Tolerated"; PolyPhen-2: "Benign"; Align-GVGD: "Class C0". The serine amino acid residue is found in multiple mammalian species, which suggests that this missense change does not adversely affect protein function. ClinVar contains an entry for this variant (Variation ID: 850989). This variant has not been reported in the literature in individuals affected with ABHD12-related conditions. This variant is present in population databases (no rsID available, gnomAD 0.0009%). This sequence change replaces proline, which is neutral and non-polar, with serine, which is neutral and polar, at codon 324 of the ABHD12 protein (p.Pro324Ser). In summary, the available evidence is currently insufficient to determine the role of this variant in disease. Therefore, it has been classified as a Variant of Uncertain Significance.

NM_001042472.3(ABHD12):c.970C>T (p.Pro324Ser)

Gene: ABHD12 (abhydrolase domain containing 12, lysophospholipase; minus strand). Cytogenetic location: 20p11.21.
Variant type: single nucleotide variant.
Coding change: c.970C>T on transcript NM_001042472.3 (MANE Select); coding-DNA position 970, C replaced by T.
Protein change: p.Pro324Ser; replaces proline 324 with serine.
Molecular consequence: missense variant.
Genome position (GRCh38, 1-based): chr20:25,303,609, G>A on the plus strand (C>T on the coding strand, the complement: ABHD12 is on the minus strand). VCF-style: chr20-25303609-G-A. GRCh37 (hg19) VCF-style: chr20-25284245-G-A.
Other names: c.970C>T, p.Pro324Ser (NM_015600.5); short protein forms P324S.
Identifiers: ClinVar variation 850989 (VCV000850989.7), dbSNP rs746616740, ClinGen allele CA408455294.